The following is an entry in ClinVar:

ClinVar aggregate classification (germline): Likely benign. Review status: criteria provided, multiple submitters, no conflicts (2 of 4 stars). 4 submissions from 4 submitters: Likely benign (4). Last evaluated 2025-05-01.

Allele frequency attached by ClinVar (database versions not stated): ExAC 0.00002; gnomAD exomes 0.00005; 1000 Genomes Project 30x 0.00016; 1000 Genomes Project 0.00020; gnomAD 0.00055.

Submissions (4):

CeGaT Center for Human Genetics Tuebingen
Classification: Likely benign. Last evaluated: 2025-05-01. Review status: criteria provided, single submitter. Criteria: CeGaT Center For Human Genetics Tuebingen Variant Classification Criteria Version 2. Collection method: clinical testing. Allele origin: germline. Affected: yes. Observed: 1 variant allele.
Comment: CFHR4: BP4, BP7

Mayo Clinic Laboratories, Mayo Clinic
Classification: Likely benign. Last evaluated: 2025-03-25. Review status: criteria provided, single submitter. Criteria: ACMG Guidelines, 2015. Collection method: clinical testing. Allele origin: germline. Observed: 3 variant alleles.
Comment: BP4, BP7

Blueprint Genetics
Classification: Likely benign. Last evaluated: 2024-10-28. Review status: criteria provided, single submitter. Criteria: ACMG Guidelines, 2015. Collection method: clinical testing. Allele origin: germline.

Genetic Services Laboratory, University of Chicago
Classification: Likely benign. Last evaluated: 2017-11-20. Review status: criteria provided, single submitter. Criteria: ACMG Guidelines, 2015. Collection method: clinical testing. Allele origin: germline. Affected: no.

NM_001201550.3(CFHR4):c.1131T>A (p.Gly377=)

Gene: CFHR4 (complement factor H related 4; plus strand). Cytogenetic location: 1q31.3.
Variant type: single nucleotide variant.
Coding change: c.1131T>A on transcript NM_001201550.3 (MANE Select); coding-DNA position 1131, T replaced by A.
Protein change: p.Gly377=; no amino-acid change (glycine 377 retained).
Molecular consequence: synonymous variant.
Genome position (GRCh38, 1-based): chr1:196,912,873, T>A. VCF-style: chr1-196912873-T-A. GRCh37 (hg19) VCF-style: chr1-196882003-T-A.
Other names: p.Gly376=; c.1128T>A, p.Gly376= (NM_001201551.2); c.390T>A, p.Gly130= (NM_006684.5).
Identifiers: ClinVar variation 1336353 (VCV001336353.16), dbSNP rs2478007, ClinGen allele CA1307040.